The following is an entry in ClinVar:

NM_138927.4(SON):c.179A>C (p.Glu60Ala)

Gene: SON (SON DNA and RNA binding protein; plus strand). Cytogenetic location: 21q22.11.
Variant type: single nucleotide variant.
Coding change: c.179A>C on transcript NM_138927.4 (MANE Select); coding-DNA position 179, A replaced by C.
Protein change: p.Glu60Ala; replaces glutamic acid 60 with alanine.
Molecular consequence: missense variant. On other transcripts: non-coding transcript variant (1).
Genome position (GRCh38, 1-based): chr21:33,546,314, A>C. VCF-style: chr21-33546314-A-C. GRCh37 (hg19) VCF-style: chr21-34918620-A-C.
Other names: c.179A>C, p.Glu60Ala (NM_001291411.2, NM_001291412.3, NM_032195.3); c.179A>C (NM_138927.2); short protein forms E60A.
Identifiers: ClinVar variation 1652426 (VCV001652426.10), dbSNP rs145186427, ClinGen allele CA10008610.

ClinVar aggregate classification (germline): Likely benign. Review status: criteria provided, single submitter (1 of 4 stars). 2 submissions from 2 submitters: Likely benign (1). 1 of the submissions does not count toward it. Last evaluated 2025-10-27.

Conditions:
SON-related disorder. Also called: SON-related condition.

Allele frequency attached by ClinVar (database versions not stated): gnomAD exomes 0.00003 and 0.00007; ExAC 0.00010; ESP Exome Variant Server 0.00023; TOPMed 0.00028; gnomAD 0.00030 and 0.00031; 1000 Genomes Project 0.00040; 1000 Genomes Project 30x 0.00047.
gnomAD v4.1: 85 of 1,613,842 alleles (0.0053%); highest among the groups gnomAD compares: African/African-American, 0.11%; no homozygotes.

Submissions (2):

Labcorp Genetics (formerly Invitae), Labcorp
Classification: Likely benign. Last evaluated: 2025-10-27. Review status: criteria provided, single submitter. Criteria: Invitae Variant Classification Sherloc (09022015). Collection method: clinical testing. Allele origin: germline.

PreventionGenetics, part of Exact Sciences
Classification: Likely benign for SON-related condition. Last evaluated: 2022-05-17. Review status: no assertion criteria provided. Collection method: clinical testing. Allele origin: germline. Not counted in ClinVar's aggregate classification.
Comment: This variant is classified as likely benign based on ACMG/AMP sequence variant interpretation guidelines (Richards et al. 2015 PMID: 25741868, with internal and published modifications).